The following is an entry in ClinVar:

ClinVar aggregate classification (germline): Uncertain significance. Review status: criteria provided, multiple submitters, no conflicts (2 of 4 stars). 3 submissions from 3 submitters: Uncertain significance (3). Last evaluated 2025-12-15.

Conditions:
Fanconi anemia (FA). Also called: Fanconi's anemia. Identifiers: Orphanet 84, MedGen C0015625, MeSH D005199, MONDO:0019391.
Inborn genetic diseases. Identifiers: MedGen C0950123, MeSH D030342.
Fanconi anemia complementation group P. Also called: SLX4-Related Fanconi Anemia. Identifiers: Orphanet 84, MedGen C3469542, MONDO:0013499, OMIM 613951.

gnomAD v4.1: 1 of 1,614,216 alleles (0.000062%); no homozygotes.

Submissions (3):

Labcorp Genetics (formerly Invitae), Labcorp
Classification: Uncertain significance for Fanconi anemia. Last evaluated: 2025-12-15. Review status: criteria provided, single submitter. Criteria: Invitae Variant Classification Sherloc (09022015). Collection method: clinical testing. Allele origin: germline.
Comment: This sequence change replaces serine, which is neutral and polar, with arginine, which is basic and polar, at codon 115 of the SLX4 protein (p.Ser115Arg). This variant is not present in population databases (gnomAD no frequency). This variant has not been reported in the literature in individuals affected with SLX4-related conditions. ClinVar contains an entry for this variant (Variation ID: 1510044). An algorithm developed to predict the effect of missense changes on protein structure and function (PolyPhen-2) suggests that this variant is likely to be disruptive. In summary, the available evidence is currently insufficient to determine the role of this variant in disease. Therefore, it has been classified as a Variant of Uncertain Significance.

Ambry Genetics
Classification: Uncertain significance for Inborn genetic diseases. Last evaluated: 2025-02-08. Review status: criteria provided, single submitter. Criteria: Ambry Variant Classification Scheme 2023. Collection method: clinical testing. Allele origin: germline.

Fulgent Genetics
Classification: Uncertain significance for Fanconi anemia complementation group P. Last evaluated: 2022-05-20. Review status: criteria provided, single submitter. Criteria: ACMG Guidelines, 2015. Collection method: clinical testing. Allele origin: unknown.

NM_032444.4(SLX4):c.343A>C (p.Ser115Arg)

Gene: SLX4 (SLX4 structure-specific endonuclease subunit; minus strand). Cytogenetic location: 16p13.3.
Variant type: single nucleotide variant.
Coding change: c.343A>C on transcript NM_032444.4 (MANE Select); coding-DNA position 343, A replaced by C.
Protein change: p.Ser115Arg; replaces serine 115 with arginine.
Molecular consequence: missense variant.
Genome position (GRCh38, 1-based): chr16:3,608,622, T>G on the plus strand (A>C on the coding strand, the complement: SLX4 is on the minus strand). VCF-style: chr16-3608622-T-G. GRCh37 (hg19) VCF-style: chr16-3658623-T-G.
Other names: c.343A>C (NM_032444.2); short protein forms S115R.
Identifiers: ClinVar variation 1510044 (VCV001510044.10), dbSNP rs959148678, ClinGen allele CA276971163.